The following is an entry in ClinVar:

NM_015122.3(FCHO1):c.557G>A (p.Arg186Gln)

Gene: FCHO1 (FCH and mu domain containing endocytic adaptor 1; plus strand). Cytogenetic location: 19p13.11.
Variant type: single nucleotide variant.
Coding change: c.557G>A on transcript NM_015122.3 (MANE Select); coding-DNA position 557, G replaced by A.
Protein change: p.Arg186Gln; replaces arginine 186 with glutamine.
Molecular consequence: missense variant. On other transcripts: non-coding transcript variant (36).
Genome position (GRCh38, 1-based): chr19:17,770,859, G>A. VCF-style: chr19-17770859-G-A. GRCh37 (hg19) VCF-style: chr19-17881668-G-A.
Other names: p.Arg186Gln; c.557G>A, p.Arg186Gln (NM_001384400.1, NM_001384401.1, NM_001384402.1 and 26 more transcripts); c.518G>A, p.Arg173Gln (NM_001384405.1, NM_001384388.1, NM_001384389.1); c.407G>A, p.Arg136Gln (NM_001384406.1, NM_001384407.1, NM_001384384.1 and 3 more transcripts); c.482G>A, p.Arg161Gln (NM_001384390.1); short protein forms R136Q, R161Q, R173Q, R186Q.
Identifiers: ClinVar variation 1168088 (VCV001168088.34), dbSNP rs147599881, ClinGen allele CA9300143.

ClinVar aggregate classification (germline): Benign/Likely benign. Review status: criteria provided, multiple submitters, no conflicts (2 of 4 stars). 5 submissions from 5 submitters: Benign (4); Likely benign (1). Last evaluated 2026-09-01.

Allele frequency attached by ClinVar (database versions not stated): 1000 Genomes Project 0.00160; 1000 Genomes Project 30x 0.00187; TOPMed 0.00476; ESP Exome Variant Server 0.00569.
gnomAD v4.1: 10,108 of 1,614,122 alleles (0.63%); highest among the groups gnomAD compares: Non-Finnish European, 0.77%; 34 homozygotes.

Submissions (5):

CeGaT Center for Human Genetics Tuebingen
Classification: Likely benign. Last evaluated: 2026-09-01. Review status: criteria provided, single submitter. Criteria: CeGaT Center For Human Genetics Tuebingen Variant Classification Criteria Version 2. Collection method: clinical testing. Allele origin: germline. Affected: yes. Observed: 5 variant alleles.
Comment: FCHO1: BP4, BS2

Women's Health and Genetics/Laboratory Corporation of America, LabCorp
Classification: Benign. Last evaluated: 2026-04-08. Review status: criteria provided, single submitter. Criteria: LabCorp Variant Classification Summary - May 2015. Collection method: clinical testing. Allele origin: germline.
Comment: Variant summary: FCHO1 c.557G>A (p.Arg186Gln) results in a conservative amino acid change in the encoded protein sequence. Algorithms developed to predict the effect of missense changes on protein structure and function are either unavailable or do not agree on the potential impact of this missense change. The variant allele was found at a frequency of 0.004 in 251304 control chromosomes in the gnomAD database, including 4 homozygotes. The observed variant frequency exceeds the estimated maximal expected allele frequency for disease-causing variants in FCHO1 and the observation of homozygous controls is not consistent with the early onset/severe presentation of FCHO1-related conditions. To our knowledge, no occurrence of c.557G>A in individuals affected with FCHO1-related conditions and no experimental evidence demonstrating its impact on protein function have been reported. ClinVar contains an entry for this variant (Variation ID: 1168088). Based on the evidence outlined above, the variant was classified as benign.

Labcorp Genetics (formerly Invitae), Labcorp
Classification: Benign. Last evaluated: 2026-02-02. Review status: criteria provided, single submitter. Criteria: Invitae Variant Classification Sherloc (09022015). Collection method: clinical testing. Allele origin: germline.

Mayo Clinic Laboratories, Mayo Clinic
Classification: Benign. Last evaluated: 2024-12-16. Review status: criteria provided, single submitter. Criteria: ACMG Guidelines, 2015. Collection method: clinical testing. Allele origin: germline. Observed: 2 variant alleles.
Comment: BS1, BS2, BP4

Breakthrough Genomics
Classification: Benign. Review status: criteria provided, single submitter. Criteria: ACMG Guidelines, 2015. Collection method: not provided. Allele origin: germline. Inheritance: Autosomal recessive inheritance. Affected: yes.